The following is an entry in ClinVar:

NM_002783.3(PSG7):c.609C>T (p.Tyr203=)

Gene: PSG7 (pregnancy specific beta-1-glycoprotein 7; minus strand). Cytogenetic location: 19q13.31.
Variant type: single nucleotide variant.
Coding change: c.609C>T on transcript NM_002783.3 (MANE Select); coding-DNA position 609, C replaced by T.
Protein change: p.Tyr203=; no amino-acid change (tyrosine 203 retained).
Molecular consequence: synonymous variant.
Genome position (GRCh38, 1-based): chr19:42,929,542, G>A on the plus strand (C>T on the coding strand, the complement: PSG7 is on the minus strand). VCF-style: chr19-42929542-G-A. GRCh37 (hg19) VCF-style: chr19-43433694-G-A.
Other names: c.243C>T, p.Tyr81= (NM_001206650.2).
Identifiers: ClinVar variation 2650052 (VCV002650052.24), dbSNP rs746719103, ClinGen allele CA9482104.

ClinVar aggregate classification (germline): Likely benign (1 of 4 stars; one submission).

Allele frequency attached by ClinVar (database versions not stated): ExAC 0.00002; gnomAD 0.00002; gnomAD exomes 0.00002.

Submission:

CeGaT Center for Human Genetics Tuebingen
Classification: Likely benign. Last evaluated: 2023-10-01. Review status: criteria provided, single submitter. Criteria: CeGaT Center For Human Genetics Tuebingen Variant Classification Criteria Version 2. Collection method: clinical testing. Allele origin: germline. Affected: yes. Observed: 1 variant allele.
Comment: PSG7: BP4, BP7